The following is an entry in ClinVar:

NM_000812.4(GABRB1):c.63G>C (p.Met21Ile)

Gene: GABRB1 (gamma-aminobutyric acid type A receptor subunit beta1; plus strand). Cytogenetic location: 4p12.
Variant type: single nucleotide variant.
Coding change: c.63G>C on transcript NM_000812.4 (MANE Select); coding-DNA position 63, G replaced by C.
Protein change: p.Met21Ile; replaces methionine 21 with isoleucine.
Molecular consequence: missense variant.
Genome position (GRCh38, 1-based): chr4:47,031,714, G>C. VCF-style: chr4-47031714-G-C. GRCh37 (hg19) VCF-style: chr4-47033731-G-C.
Other names: short protein forms M21I.
Identifiers: ClinVar variation 2692913 (VCV002692913.3), dbSNP rs1443881159, ClinGen allele CA356805243.

ClinVar aggregate classification (germline): Uncertain significance (1 of 4 stars; one submission).

Allele frequency attached by ClinVar (database versions not stated): gnomAD 0.00001.
gnomAD v4.1: 1 of 1,613,298 alleles (0.000062%); highest among the groups gnomAD compares: Admixed American, 0.0017%; no homozygotes.

Submission:

Labcorp Genetics (formerly Invitae), Labcorp
Classification: Uncertain significance. Last evaluated: 2023-11-27. Review status: criteria provided, single submitter. Criteria: Invitae Variant Classification Sherloc (09022015). Collection method: clinical testing. Allele origin: germline.
Comment: This sequence change replaces methionine, which is neutral and non-polar, with isoleucine, which is neutral and non-polar, at codon 21 of the GABRB1 protein (p.Met21Ile). This variant is not present in population databases (gnomAD no frequency). This variant has not been reported in the literature in individuals affected with GABRB1-related conditions. Advanced modeling of protein sequence and biophysical properties (such as structural, functional, and spatial information, amino acid conservation, physicochemical variation, residue mobility, and thermodynamic stability) performed at Invitae indicates that this missense variant is not expected to disrupt GABRB1 protein function with a negative predictive value of 95%. In summary, the available evidence is currently insufficient to determine the role of this variant in disease. Therefore, it has been classified as a Variant of Uncertain Significance.